The following is an entry in ClinVar:

ClinVar aggregate classification (germline): Conflicting classifications of pathogenicity. Review status: criteria provided, conflicting classifications (1 of 4 stars). 3 submissions from 3 submitters: Uncertain significance (2); Likely benign (1). Last evaluated 2025-06-19.

Conditions:
Inborn genetic diseases. Identifiers: MedGen C0950123, MeSH D030342.
BBS12-related disorder. Also called: BBS12-related condition.
Bardet-Biedl syndrome (BBS). Identifiers: Orphanet 110, MedGen C0752166, MONDO:0015229.

Allele frequency attached by ClinVar (database versions not stated): gnomAD exomes 0.00003.
gnomAD v4.1: 41 of 1,613,916 alleles (0.0025%); highest among the groups gnomAD compares: Non-Finnish European, 0.0014%; no homozygotes.

Submissions (3):

Ambry Genetics
Classification: Likely benign for Inborn genetic diseases. Last evaluated: 2025-06-19. Review status: criteria provided, single submitter. Criteria: Ambry Variant Classification Scheme 2023. Collection method: clinical testing. Allele origin: germline.

PreventionGenetics, part of Exact Sciences
Classification: Uncertain significance for BBS12-related condition. Last evaluated: 2024-12-11. Review status: criteria provided, single submitter. Criteria: ACMG Guidelines, 2015. Collection method: clinical testing. Allele origin: germline.
Comment: The BBS12 c.22G>A variant is predicted to result in the amino acid substitution p.Val8Ile. To our knowledge, this variant has not been reported in the literature. This variant is reported in 0.079% of alleles in individuals of Ashkenazi Jewish descent in gnomAD. Although we suspect that this variant may be benign, at this time, the clinical significance of this variant is uncertain due to the absence of conclusive functional and genetic evidence.

Labcorp Genetics (formerly Invitae), Labcorp
Classification: Uncertain significance for Bardet-Biedl syndrome. Last evaluated: 2022-11-01. Review status: criteria provided, single submitter. Criteria: Invitae Variant Classification Sherloc (09022015). Collection method: clinical testing. Allele origin: germline.
Comment: This sequence change replaces valine, which is neutral and non-polar, with isoleucine, which is neutral and non-polar, at codon 8 of the BBS12 protein (p.Val8Ile). This variant is present in population databases (no rsID available, gnomAD 0.08%). This variant has not been reported in the literature in individuals affected with BBS12-related conditions. Advanced modeling of protein sequence and biophysical properties (such as structural, functional, and spatial information, amino acid conservation, physicochemical variation, residue mobility, and thermodynamic stability) performed at Invitae indicates that this missense variant is not expected to disrupt BBS12 protein function. In summary, the available evidence is currently insufficient to determine the role of this variant in disease. Therefore, it has been classified as a Variant of Uncertain Significance.

NM_152618.3(BBS12):c.22G>A (p.Val8Ile)

Gene: BBS12 (Bardet-Biedl syndrome 12; plus strand). Cytogenetic location: 4q27.
Variant type: single nucleotide variant.
Coding change: c.22G>A on transcript NM_152618.3 (MANE Select); coding-DNA position 22, G replaced by A.
Protein change: p.Val8Ile; replaces valine 8 with isoleucine.
Molecular consequence: missense variant.
Genome position (GRCh38, 1-based): chr4:122,741,914, G>A. VCF-style: chr4-122741914-G-A. GRCh37 (hg19) VCF-style: chr4-123663069-G-A.
Other names: c.22G>A, p.Val8Ile (NM_001178007.2); c.22G>A (NM_152618.2); short protein forms V8I.
Identifiers: ClinVar variation 2176281 (VCV002176281.3), dbSNP rs1351171130, ClinGen allele CA358222022.